The following is an entry in ClinVar:

ClinVar aggregate classification (germline): Likely benign (1 of 4 stars; one submission).

Allele frequency attached by ClinVar (database versions not stated): 1000 Genomes Project 0.00160; 1000 Genomes Project 30x 0.00172; gnomAD 0.00316; TOPMed 0.00377; gnomAD exomes 0.02222.

Submission:

CeGaT Center for Human Genetics Tuebingen
Classification: Likely benign. Last evaluated: 2023-06-01. Review status: criteria provided, single submitter. Criteria: CeGaT Center For Human Genetics Tuebingen Variant Classification Criteria Version 2. Collection method: clinical testing. Allele origin: germline. Affected: yes. Observed: 1 variant allele.
Comment: FLNB: BS2

NC_000003.12:g.58179951G>A

Gene: FLNB (filamin B; plus strand). Cytogenetic location: 3p14.3.
Variant type: single nucleotide variant.
Genome position: GRCh38 VCF-style: chr3-58179951-G-A. GRCh37 (hg19) VCF-style: chr3-58165678-G-A.
Identifiers: ClinVar variation 2653919 (VCV002653919.24), dbSNP rs140122118, ClinGen allele CA75444774.